The following is an entry in ClinVar:

ClinVar aggregate classification (germline): Pathogenic (1 of 4 stars; one submission).

Submission:

Labcorp Genetics (formerly Invitae), Labcorp
Classification: Pathogenic. Last evaluated: 2023-12-15. Review status: criteria provided, single submitter. Criteria: Invitae Variant Classification Sherloc (09022015). Collection method: clinical testing. Allele origin: germline.
Comment: This variant is a gross deletion of the genomic region encompassing exon(s) 13-14 of the EYS gene. This deletion is out-of-frame, and is expected to create a premature termination codon and result in an absent or disrupted protein product. Loss-of-function variants in EYS are known to be pathogenic (PMID: 18836446, 20333770). A similar copy number variant has been observed in individuals with retinitis pigmentosa (PMID: 21519034, 30153090). This variant is also known as c.3317-?_4251+?. For these reasons, this variant has been classified as Pathogenic.

Literature cited by the submitters: PubMed 18836446; PubMed 20333770; PubMed 21519034; PubMed 30153090.

NC_000006.11:g.(?_65707455)_(65767640_?)del

Gene: EYS (eyes shut homolog; minus strand). Cytogenetic location: 6q12.
Variant type: Deletion.
Identifiers: ClinVar variation 1408616 (VCV001408616.5).